The following is an entry in ClinVar:

ClinVar aggregate classification (germline): Uncertain significance (1 of 4 stars; one submission).

Conditions:
Exudative vitreoretinopathy 5 (EVR5). Identifiers: Orphanet 891, MedGen C2750079, MONDO:0013218, OMIM 613310.

Submission:

3billion
Classification: Uncertain significance for Exudative vitreoretinopathy 5. Last evaluated: 2025-09-05. Review status: criteria provided, single submitter. Criteria: ACMG Guidelines, 2015. Collection method: clinical testing. Allele origin: germline. Affected: yes.
Comment: The variant is not observed in the gnomAD v4.1.0 dataset. Predicted Consequence/Location: Inframe insertion located in a nonrepeat region: predicted to change the length of the protein and disrupt normal protein function. Therefore, this variant is classified as VUS according to the recommendation of ACMG/AMP guideline.

NM_012338.4(TSPAN12):c.650_682dup (p.Gly227_Ile228insThrLysGlnLeuGlnValLeuArgPheLeuGly)

Gene: TSPAN12 (tetraspanin 12; minus strand). Cytogenetic location: 7q31.31.
Variant type: Duplication.
Coding change: c.650_682dup on transcript NM_012338.4 (MANE Select); coding-DNA positions 650 to 682, 33 bases duplicated.
Protein change: p.Gly227_Ile228insThrLysGlnLeuGlnValLeuArgPheLeuGly.
Molecular consequence: inframe insertion.
Genome position (GRCh38, 1-based): chr7:120,788,828-120,788,860, 33 bases duplicated; duplicating any 33 consecutive bases within chr7:120,788,828-120,788,864 gives the same sequence; the c. name uses the placement nearest the transcript's 3' end. GRCh37 (hg19): chr7:120,428,886-120,428,918.
Identifiers: ClinVar variation 4854011 (VCV004854011.1).
Genomic context (GRCh38, chr7:120,788,827, plus strand): 5'-AGAGCCCAGAGCAGAGTAATGGTGAGAATCATGGCCAGGATTTGTGTCACCCCAATGGAG[A>ATTCCCAGAAACCTCAGCACCTGCAGTTGTTTGG]TTCCCAGAAACCTCAGCACCTGCAGTTGTTTGGTTCCTCTCAAAAAGGAATACATTTTCT-3'